The following is an entry in ClinVar:

ClinVar aggregate classification (germline): Benign. Review status: criteria provided, multiple submitters, no conflicts (2 of 4 stars). 2 submissions from 2 submitters: Benign (2). Last evaluated 2018-06-18.

Allele frequency attached by ClinVar (database versions not stated): TOPMed 0.85488; 1000 Genomes Project 30x 0.85540; 1000 Genomes Project 0.85942; gnomAD 0.86460 and 0.87005; gnomAD exomes 0.93035.
gnomAD v4.1: 446,259 of 489,850 alleles (91%); highest among the groups gnomAD compares: South Asian, 97%; 204,649 homozygotes.

Submissions (2):

GeneDx
Classification: Benign. Last evaluated: 2018-06-18. Review status: criteria provided, single submitter. Criteria: GeneDx Variant Classification (06012015). Collection method: clinical testing. Allele origin: germline. Affected: yes.
Comment: This variant is considered likely benign or benign based on one or more of the following criteria: it is a conservative change, it occurs at a poorly conserved position in the protein, it is predicted to be benign by multiple in silico algorithms, and/or has population frequency not consistent with disease.

Breakthrough Genomics
Classification: Benign. Review status: criteria provided, single submitter. Criteria: ACMG Guidelines, 2015. Collection method: not provided. Allele origin: germline. Inheritance: Autosomal recessive inheritance. Affected: yes.

NM_001077365.2(POMT1):c.280+271G>A

Gene: POMT1 (protein O-mannosyltransferase 1; plus strand). Cytogenetic location: 9q34.13.
Variant type: single nucleotide variant.
Coding change: c.280+271G>A on transcript NM_001077365.2 (MANE Select); 271 bases into the intron after coding-DNA position 280, G replaced by A.
Molecular consequence: intron variant.
Genome position (GRCh38, 1-based): chr9:131,506,724, G>A. VCF-style: chr9-131506724-G-A. GRCh37 (hg19) VCF-style: chr9-134382111-G-A.
Other names: c.118+271G>A (NM_001353198.2, NM_001353194.2, NM_001374689.1 and 3 more transcripts); c.280+271G>A (NM_001353193.2, NM_001136113.2, NM_007171.4 and 1 more transcripts); c.-71-644G>A (NM_001374691.1, NM_001374692.1); c.173+271G>A (NM_001353196.2); c.-72+271G>A (NM_001353195.2, NM_001353199.2, NM_001136114.2); c.-29-2187G>A (NM_001374695.1); c.-30+271G>A (NM_001353200.2).
Identifiers: ClinVar variation 683933 (VCV000683933.2), dbSNP rs10448341, ClinGen allele CA13040128.